The following is an entry in ClinVar:

NM_002292.4(LAMB2):c.2506G>A (p.Glu836Lys)

Genes: LAMB2 (laminin subunit beta 2; minus strand), LOC129936738 (ATAC-STARR-seq lymphoblastoid active region 19855; plus strand). Cytogenetic location: 3p21.31.
Variant type: single nucleotide variant.
Coding change: c.2506G>A on transcript NM_002292.4 (MANE Select); coding-DNA position 2506, G replaced by A.
Protein change: p.Glu836Lys; replaces glutamic acid 836 with lysine.
Molecular consequence: missense variant.
Genome position (GRCh38, 1-based): chr3:49,125,467, C>T on the plus strand (G>A on the coding strand, the complement: LAMB2 is on the minus strand). VCF-style: chr3-49125467-C-T. GRCh37 (hg19) VCF-style: chr3-49162900-C-T.
Other names: short protein forms E836K.
Identifiers: ClinVar variation 901508 (VCV000901508.5), dbSNP rs547498421, ClinGen allele CA74481060.

ClinVar aggregate classification (germline): Uncertain significance. Review status: criteria provided, multiple submitters, no conflicts (2 of 4 stars). 3 submissions from 2 submitters: Uncertain significance (3). Last evaluated 2025-06-26.

Conditions:
LAMB2-related infantile-onset nephrotic syndrome. Also called: NEPHROTIC SYNDROME, TYPE 5, WITHOUT OCULAR ABNORMALITIES; NEPHROTIC SYNDROME, TYPE 5, WITH OCULAR ABNORMALITIES; Nephrotic Syndrome, type 5. Identifiers: Orphanet 306507, MedGen C3280113, MONDO:0013621, OMIM 614199.
Pierson syndrome. Also called: MICROCORIA-CONGENITAL NEPHROTIC SYNDROME. Identifiers: Orphanet 2670, MedGen C1836876, MONDO:0012184, OMIM 609049.

Allele frequency attached by ClinVar (database versions not stated): gnomAD exomes 0.00001.
gnomAD v4.1: 8 of 1,583,390 alleles (0.00051%); highest among the groups gnomAD compares: Middle Eastern, 0.017%; no homozygotes.

Submissions (3):

GeneDx
Classification: Uncertain significance. Last evaluated: 2025-06-26. Review status: criteria provided, single submitter. Criteria: GeneDx Variant Classification Process June 2021. Collection method: clinical testing. Allele origin: germline. Affected: yes.
Comment: Not observed at a significant frequency in large population cohorts (gnomAD); In silico analysis supports that this missense variant does not alter protein structure/function; Has not been previously published as pathogenic or benign to our knowledge

Illumina Laboratory Services, Illumina
Classification: Uncertain significance for Pierson syndrome. Last evaluated: 2018-01-13. Review status: criteria provided, single submitter. Criteria: ICSL Variant Classification Criteria 13 December 2019. Collection method: clinical testing. Allele origin: germline.

Illumina Laboratory Services, Illumina
Classification: Uncertain significance for LAMB2-related infantile-onset nephrotic syndrome. Last evaluated: 2018-01-13. Review status: criteria provided, single submitter. Criteria: ICSL Variant Classification Criteria 13 December 2019. Collection method: clinical testing. Allele origin: germline.